The following is an entry in ClinVar:

ClinVar aggregate classification (germline): Uncertain significance (1 of 4 stars; one submission).

Allele frequency attached by ClinVar (database versions not stated): gnomAD exomes below 0.00001.
gnomAD v4.1: 6 of 1,576,516 alleles (0.00038%); highest among the groups gnomAD compares: African/African-American, 0.0014%; no homozygotes.

Submission:

Labcorp Genetics (formerly Invitae), Labcorp
Classification: Uncertain significance. Last evaluated: 2023-08-10. Review status: criteria provided, single submitter. Criteria: Invitae Variant Classification Sherloc (09022015). Collection method: clinical testing. Allele origin: germline.
Comment: This sequence change replaces serine, which is neutral and polar, with glycine, which is neutral and non-polar, at codon 218 of the GUF1 protein (p.Ser218Gly). This variant is present in population databases (no rsID available, gnomAD 0.001%). This variant has not been reported in the literature in individuals affected with GUF1-related conditions. Advanced modeling of protein sequence and biophysical properties (such as structural, functional, and spatial information, amino acid conservation, physicochemical variation, residue mobility, and thermodynamic stability) performed at Invitae indicates that this missense variant is not expected to disrupt GUF1 protein function. Algorithms developed to predict the effect of sequence changes on RNA splicing suggest that this variant may create or strengthen a splice site. In summary, the available evidence is currently insufficient to determine the role of this variant in disease. Therefore, it has been classified as a Variant of Uncertain Significance.

NM_021927.3(GUF1):c.652A>G (p.Ser218Gly)

Gene: GUF1 (GTP binding elongation factor GUF1; plus strand). Cytogenetic location: 4p12.
Variant type: single nucleotide variant.
Coding change: c.652A>G on transcript NM_021927.3 (MANE Select); coding-DNA position 652, A replaced by G.
Protein change: p.Ser218Gly; replaces serine 218 with glycine.
Molecular consequence: missense variant. On other transcripts: 5 prime UTR variant (2).
Genome position (GRCh38, 1-based): chr4:44,683,301, A>G. VCF-style: chr4-44683301-A-G. GRCh37 (hg19) VCF-style: chr4-44685318-A-G.
Other names: c.-321A>G (NM_001345867.2, NM_001345869.2); c.652A>G, p.Ser218Gly (NM_001345868.2); short protein forms S218G.
Identifiers: ClinVar variation 2778604 (VCV002778604.3), dbSNP rs1315790783, ClinGen allele CA356761993.